The following is an entry in ClinVar:

NM_199420.4(POLQ):c.3617C>T (p.Thr1206Ile)

Gene: POLQ (DNA polymerase theta; minus strand). Cytogenetic location: 3q13.33.
Variant type: single nucleotide variant.
Coding change: c.3617C>T on transcript NM_199420.4 (MANE Select); coding-DNA position 3617, C replaced by T.
Protein change: p.Thr1206Ile; replaces threonine 1206 with isoleucine.
Molecular consequence: missense variant.
Genome position (GRCh38, 1-based): chr3:121,489,314, G>A on the plus strand (C>T on the coding strand, the complement: POLQ is on the minus strand). VCF-style: chr3-121489314-G-A. GRCh37 (hg19) VCF-style: chr3-121208161-G-A.
Other names: short protein forms T1206I.
Identifiers: ClinVar variation 3229950 (VCV003229950.1), dbSNP rs2048043074, ClinGen allele CA354098661.

ClinVar aggregate classification (germline): Uncertain significance (1 of 4 stars; one submission).

Submission:

Ambry Genetics
Classification: Uncertain significance. Last evaluated: 2024-02-16. Review status: criteria provided, single submitter. Criteria: Ambry Variant Classification Scheme 2023. Collection method: clinical testing. Allele origin: germline.
Comment: The p.T1206I variant (also known as c.3617C>T), located in coding exon 16 of the POLQ gene, results from a C to T substitution at nucleotide position 3617. The threonine at codon 1206 is replaced by isoleucine, an amino acid with similar properties. This amino acid position is conserved. In addition, this alteration is predicted to be tolerated by in silico analysis. Based on the available evidence, the clinical significance of this alteration remains unclear.